The following is an entry in ClinVar:

ClinVar aggregate classification (germline): Pathogenic. Review status: reviewed by expert panel (3 of 4 stars). 4 submissions from 4 submitters: Pathogenic (1). 3 of the submissions do not count toward it. Last evaluated 2016-09-08.

Conditions:
Breast-ovarian cancer, familial, susceptibility to, 1 (BROVCA1). Also called: BRCA1 Hereditary Breast and Ovarian Cancer; OVARIAN CANCER, SUSCEPTIBILITY TO. Identifiers: Orphanet 145, MedGen C2676676, MONDO:0011450, OMIM 604370. Disease mechanism: loss of function.
Hereditary cancer-predisposing syndrome. Also called: Hereditary Cancer Syndrome; Hereditary neoplastic syndrome; Neoplastic Syndromes, Hereditary; Tumor predisposition. Identifiers: Orphanet 140162, MedGen C0027672, MeSH D009386, MONDO:0015356.
Hereditary breast ovarian cancer syndrome. Also called: BRCA1- and BRCA2-Associated Hereditary Breast and Ovarian Cancer; Hereditary breast and ovarian cancer syndrome; Hereditary breast and ovarian cancer syndrome (HBOC); Breast and ovarian cancer; Hereditary breast and/or ovarian cancer syndrome; Hereditary breast and ovarian cancer. Identifiers: Orphanet 145, MedGen C0677776, MeSH D061325, MONDO:0003582. Disease mechanism: loss of function.

Submissions (4):

Evidence-based Network for the Interpretation of Germline Mutant Alleles (ENIGMA)
Classification: Pathogenic for Breast-ovarian cancer, familial, susceptibility to, 1. Last evaluated: 2016-09-08. Review status: reviewed by expert panel. Criteria: ENIGMA BRCA1/2 Classification Criteria (2015). Collection method: curation. Allele origin: germline.
Comment: Variant allele predicted to encode a truncated non-functional protein.

Labcorp Genetics (formerly Invitae), Labcorp
Classification: Pathogenic for Hereditary breast ovarian cancer syndrome. Last evaluated: 2023-03-18. Review status: criteria provided, single submitter. Criteria: Invitae Variant Classification Sherloc (09022015). Collection method: clinical testing. Allele origin: germline. Not counted in ClinVar's aggregate classification.
Comment: This variant is not present in population databases (gnomAD no frequency). This variant has not been reported in the literature in individuals affected with BRCA1-related conditions. ClinVar contains an entry for this variant (Variation ID: 91563). For these reasons, this variant has been classified as Pathogenic. This sequence change creates a premature translational stop signal (p.Ile587*) in the BRCA1 gene. It is expected to result in an absent or disrupted protein product. Loss-of-function variants in BRCA1 are known to be pathogenic (PMID: 20104584).

Ambry Genetics
Classification: Pathogenic for Hereditary cancer-predisposing syndrome. Last evaluated: 2022-09-29. Review status: criteria provided, single submitter. Criteria: Ambry Variant Classification Scheme 2023. Collection method: clinical testing. Allele origin: germline. Not counted in ClinVar's aggregate classification.
Comment: The c.1759delA pathogenic mutation, located in coding exon 9 of the BRCA1 gene, results from a deletion of one nucleotide at nucleotide position 1759, causing a translational frameshift with a predicted alternate stop codon (p.I587*). This alteration is expected to result in loss of function by premature protein truncation or nonsense-mediated mRNA decay. As such, this alteration is interpreted as a disease-causing mutation.

Sharing Clinical Reports Project (SCRP)
Classification: Pathogenic for Breast-ovarian cancer, familial 1. Last evaluated: 2012-10-08. Review status: no assertion criteria provided. Collection method: clinical testing. Allele origin: germline. Not counted in ClinVar's aggregate classification.

Literature cited by the submitters: PubMed 20104584 (cited by Labcorp Genetics (formerly Invitae), Labcorp).

NM_007294.4(BRCA1):c.1759del (p.Pro586_Ile587insTer)

Gene: BRCA1 (BRCA1 DNA repair associated; minus strand). Cytogenetic location: 17q21.31.
Variant type: Deletion.
Coding change: c.1759del on transcript NM_007294.4 (MANE Select); coding-DNA position 1759, one base deleted (A; older notation c.1759delA).
Protein change: p.Pro586_Ile587insTer.
Molecular consequence: nonsense. On other transcripts: intron variant (137).
Genome position (GRCh38, 1-based): chr17:43,093,772, T deleted on the plus strand (A on the coding strand, the reverse complement: BRCA1 is on the minus strand). VCF-style (leftmost placement, unchanged base first): chr17-43093771-AT-A. GRCh37 (hg19) VCF-style: chr17-41245788-AT-A.
Other names: 1878delA; c.1546del, p.Pro515_Ile516insTer (NM_001407571.1, NM_001407853.1, NM_001407894.1 and 9 more transcripts); c.1759del, p.Pro586_Ile587insTer (NM_001407581.1, NM_001407582.1, NM_001407583.1 and 30 more transcripts); c.1756del, p.Pro585_Ile586insTer (NM_001407587.1, NM_001407590.1, NM_001407591.1 and 22 more transcripts); c.1750del, p.Pro583_Ile584insTer (NM_001407646.1, NM_001407647.1); c.1636del, p.Pro545_Ile546insTer (NM_001407648.1, NM_001407664.1, NM_001407665.1 and 19 more transcripts); c.1633del, p.Pro544_Ile545insTer (NM_001407649.1, NM_001407670.1, NM_001407671.1 and 11 more transcripts); c.1681del, p.Pro560_Ile561insTer (NM_001407653.1, NM_001407654.1, NM_001407655.1 and 4 more transcripts); and 41 more.
Identifiers: ClinVar variation 91563 (VCV000091563.13), dbSNP rs398122642, ClinGen allele CA001149.